The following is an entry in ClinVar:

ClinVar aggregate classification (germline): Uncertain significance. Review status: criteria provided, multiple submitters, no conflicts (2 of 4 stars). 2 submissions from 2 submitters: Uncertain significance (2). Last evaluated 2024-04-16.

Conditions:
Epiphyseal dysplasia, multiple, 2 (EDM2). Also called: COL9A2-Related Multiple Epiphyseal Dysplasia. Identifiers: MedGen C1838429, MONDO:0010844, OMIM 600204.

Allele frequency attached by ClinVar (database versions not stated): gnomAD exomes 0.00001.
gnomAD v4.1: 9 of 1,611,544 alleles (0.00056%); highest among the groups gnomAD compares: Non-Finnish European, 0.00059%; no homozygotes.

Submissions (2):

Labcorp Genetics (formerly Invitae), Labcorp
Classification: Uncertain significance. Last evaluated: 2024-04-16. Review status: criteria provided, single submitter. Criteria: Invitae Variant Classification Sherloc (09022015). Collection method: clinical testing. Allele origin: germline.
Comment: This sequence change replaces aspartic acid, which is acidic and polar, with histidine, which is basic and polar, at codon 519 of the COL9A2 protein (p.Asp519His). This variant is not present in population databases (gnomAD no frequency). This variant has not been reported in the literature in individuals affected with COL9A2-related conditions. ClinVar contains an entry for this variant (Variation ID: 931612). Advanced modeling of protein sequence and biophysical properties (such as structural, functional, and spatial information, amino acid conservation, physicochemical variation, residue mobility, and thermodynamic stability) performed at Invitae indicates that this missense variant is not expected to disrupt COL9A2 protein function with a negative predictive value of 95%. In summary, the available evidence is currently insufficient to determine the role of this variant in disease. Therefore, it has been classified as a Variant of Uncertain Significance.

Centre for Mendelian Genomics, University Medical Centre Ljubljana
Classification: Uncertain significance for Epiphyseal dysplasia, multiple, 2. Last evaluated: 2019-10-08. Review status: criteria provided, single submitter. Criteria: ACMG Guidelines, 2015. Collection method: clinical testing. Allele origin: unknown. Affected: yes.
Comment: This variant was classified as: Uncertain significance. The available evidence on this variant's pathogenicity is insufficient or conflicting. The following ACMG criteria were applied in classifying this variant: PM2,PP3.

NM_001852.4(COL9A2):c.1555G>C (p.Asp519His)

Gene: COL9A2 (collagen type IX alpha 2 chain; minus strand). Cytogenetic location: 1p34.2.
Variant type: single nucleotide variant.
Coding change: c.1555G>C on transcript NM_001852.4 (MANE Select); coding-DNA position 1555, G replaced by C.
Protein change: p.Asp519His; replaces aspartic acid 519 with histidine.
Molecular consequence: missense variant.
Genome position (GRCh38, 1-based): chr1:40,303,179, C>G on the plus strand (G>C on the coding strand, the complement: COL9A2 is on the minus strand). VCF-style: chr1-40303179-C-G. GRCh37 (hg19) VCF-style: chr1-40768851-C-G.
Other names: short protein forms D519H.
Identifiers: ClinVar variation 931612 (VCV000931612.5), dbSNP rs901123053, ClinGen allele CA339877573.